The following is an entry in ClinVar:

NM_000554.6(CRX):c.2T>C (p.Met1Thr)

Gene: CRX (cone-rod homeobox; plus strand). Cytogenetic location: 19q13.33.
Variant type: single nucleotide variant.
Coding change: c.2T>C on transcript NM_000554.6 (MANE Select); coding-DNA position 2, T replaced by C.
Protein change: p.Met1Thr; changes the start codon (methionine 1).
Molecular consequence: missense variant, initiator codon variant.
Genome position (GRCh38, 1-based): chr19:47,834,445, T>C. VCF-style: chr19-47834445-T-C. GRCh37 (hg19) VCF-style: chr19-48337702-T-C.
Other names: short protein forms M1T.
Identifiers: ClinVar variation 3758248 (VCV003758248.2).
Genomic context (GRCh38, chr19:47,834,445, plus strand): 5'-AGCATCCCTCCTCTTCTCTTGCAGGCCCCCTGACTTGGGCCTCAGTGTCCCCGAAGATCA[T>C]GATGGCGTATATGAACCCGGGGCCCCACTATTCTGTCAACGCCTTGGCCCTAAGTGGCCC-3'
Protein context (NP_000545.1, residues 1-11): [Met1Thr]MAYMNPGPHY

ClinVar aggregate classification (germline): Uncertain significance (1 of 4 stars; one submission).

Conditions:
Cone-rod dystrophy 2 (CORD2). Also called: CONE-ROD RETINAL DYSTROPHY; Cone-rod retinal dystrophy 2. Identifiers: Orphanet 1872, MedGen C3489532, MONDO:0007362, OMIM 120970.
Leber congenital amaurosis 7 (LCA7). Identifiers: Orphanet 65, MedGen C3151192, MONDO:0013449, OMIM 613829.

Submission:

Labcorp Genetics (formerly Invitae), Labcorp
Classification: Uncertain significance for Cone-rod dystrophy 2; Leber congenital amaurosis 7. Last evaluated: 2024-06-19. Review status: criteria provided, single submitter. Criteria: Invitae Variant Classification Sherloc (09022015). Collection method: clinical testing. Allele origin: germline.
Comment: This sequence change affects the initiator methionine of the CRX mRNA. The next in-frame methionine is located at codon 2. This variant is present in population databases (no rsID available, gnomAD 0.003%). This variant has not been reported in the literature in individuals affected with CRX-related conditions. Experimental studies and prediction algorithms are not available or were not evaluated, and the functional significance of this variant is currently unknown. In summary, the available evidence is currently insufficient to determine the role of this variant in disease. Therefore, it has been classified as a Variant of Uncertain Significance.